The following is an entry in ClinVar:

NM_004268.5(MED17):c.924del (p.Phe308fs)

Gene: MED17 (mediator complex subunit 17; plus strand). Cytogenetic location: 11q21.
Variant type: Deletion.
Coding change: c.924del on transcript NM_004268.5 (MANE Select); coding-DNA position 924, one base deleted (T; older notation c.924delT).
Protein change: p.Phe308fs; shifts the reading frame from phenylalanine 308.
Molecular consequence: frameshift variant.
Genome position (GRCh38, 1-based): chr11:93,794,972, T deleted; the last of 5 consecutive T bases (chr11:93,794,968-93,794,972); deleting any one gives the same sequence. VCF-style (leftmost placement, unchanged base first): chr11-93794967-AT-A. GRCh37 (hg19) VCF-style: chr11-93528133-AT-A.
Other names: short protein forms F308fs.
Identifiers: ClinVar variation 4057609 (VCV004057609.2).

ClinVar aggregate classification (germline): Likely pathogenic (1 of 4 stars; one submission).

Conditions:
Infantile cerebral and cerebellar atrophy with postnatal progressive microcephaly (MSBA). Identifiers: Orphanet 402364, MedGen C3150921, MONDO:0013351, OMIM 613668.

Submission:

Natera, Inc.
Classification: Likely pathogenic for Postnatal progressive microcephaly with seizures and brain atrophy. Last evaluated: 2025-04-18. Review status: criteria provided, single submitter. Criteria: Natera Variant Classification Schema (03/2026). Collection method: clinical testing. Allele origin: germline.
Comment: The c.924del variant in MED17 is a frameshift variant predicted to shift the reading frame beginning at codon 308 and leads to a stop codon 20 codons downstream. This variant is expected to result in nonsense mediated decay, truncation, or a dysfunctional protein product. This variant is rare in the general population with a frequency below the threshold expected for the associated phenotype(s). Given the available evidence, this variant is classified as Likely Pathogenic.